The following is an entry in ClinVar:

NM_000257.4(MYH7):c.3935T>C (p.Leu1312Pro)

Gene: MYH7 (myosin heavy chain 7; minus strand). Cytogenetic location: 14q11.2.
Variant type: single nucleotide variant.
Coding change: c.3935T>C on transcript NM_000257.4 (MANE Select); coding-DNA position 3935, T replaced by C.
Protein change: p.Leu1312Pro; replaces leucine 1312 with proline.
Molecular consequence: missense variant.
Genome position (GRCh38, 1-based): chr14:23,419,214, A>G on the plus strand (T>C on the coding strand, the complement: MYH7 is on the minus strand). VCF-style: chr14-23419214-A-G. GRCh37 (hg19) VCF-style: chr14-23888423-A-G.
Other names: short protein forms L1312P.
Identifiers: ClinVar variation 454372 (VCV000454372.8), dbSNP rs1555336958, ClinGen allele CA389041545.

ClinVar aggregate classification (germline): Uncertain significance (1 of 4 stars; one submission).

Conditions:
Hypertrophic cardiomyopathy. Also called: HYPERTROPHIC MYOCARDIOPATHY. Identifiers: Orphanet 217569, MedGen C0007194, MeSH D002312, MONDO:0005045, HP:0001639.

Submission:

Labcorp Genetics (formerly Invitae), Labcorp
Classification: Uncertain significance for Hypertrophic cardiomyopathy. Last evaluated: 2024-12-12. Review status: criteria provided, single submitter. Criteria: Invitae Variant Classification Sherloc (09022015). Collection method: clinical testing. Allele origin: germline.
Comment: This sequence change replaces leucine, which is neutral and non-polar, with proline, which is neutral and non-polar, at codon 1312 of the MYH7 protein (p.Leu1312Pro). This variant is not present in population databases (gnomAD no frequency). This variant has not been reported in the literature in individuals affected with MYH7-related conditions. ClinVar contains an entry for this variant (Variation ID: 454372). Invitae Evidence Modeling of protein sequence and biophysical properties (such as structural, functional, and spatial information, amino acid conservation, physicochemical variation, residue mobility, and thermodynamic stability) indicates that this missense variant is expected to disrupt MYH7 protein function with a positive predictive value of 95%. In summary, the available evidence is currently insufficient to determine the role of this variant in disease. Therefore, it has been classified as a Variant of Uncertain Significance.